The following is an entry in ClinVar:

ClinVar aggregate classification (germline): Uncertain significance (1 of 4 stars; one submission).

Submission:

GeneDx
Classification: Uncertain significance. Last evaluated: 2023-05-31. Review status: criteria provided, single submitter. Criteria: GeneDx Variant Classification Process June 2021. Collection method: clinical testing. Allele origin: germline. Affected: yes.
Comment: Not observed at significant frequency in large population cohorts (gnomAD); In silico analysis supports that this missense variant has a deleterious effect on protein structure/function; Has not been previously published as pathogenic or benign to our knowledge

NM_025233.7(COASY):c.604C>G (p.Arg202Gly)

Gene: COASY (Coenzyme A synthase; plus strand). Cytogenetic location: 17q21.2.
Variant type: single nucleotide variant.
Coding change: c.604C>G on transcript NM_025233.7 (MANE Select); coding-DNA position 604, C replaced by G.
Protein change: p.Arg202Gly; replaces arginine 202 with glycine.
Molecular consequence: missense variant.
Genome position (GRCh38, 1-based): chr17:42,563,226, C>G. VCF-style: chr17-42563226-C-G. GRCh37 (hg19) VCF-style: chr17-40715244-C-G.
Other names: c.604C>G, p.Arg202Gly (NM_001042529.3); c.691C>G, p.Arg231Gly (NM_001042532.4); short protein forms R202G, R231G.
Identifiers: ClinVar variation 3359277 (VCV003359277.1).